The following is an entry in ClinVar:

ClinVar aggregate classification (germline): Pathogenic. Review status: criteria provided, single submitter (1 of 4 stars). 2 submissions from 2 submitters: Pathogenic (1). 1 of the submissions does not count toward it.

Conditions:
Short-rib thoracic dysplasia 7 with or without polydactyly (SRTD7). Also called: Short rib polydactyly syndrome 5; SHORT-RIB THORACIC DYSPLASIA 7 WITH POLYDACTYLY. Identifiers: Orphanet 498497, Orphanet 93271, MedGen C3279792, MONDO:0013569, OMIM 614091.
Cranioectodermal dysplasia 2 (CED2). Identifiers: Orphanet 1515, MedGen C3150874, MONDO:0013323, OMIM 613610.

Allele frequency attached by ClinVar (database versions not stated): TOPMed 0.00001; gnomAD 0.00001.
gnomAD v4.1: 6 of 1,613,468 alleles (0.00037%); highest among the groups gnomAD compares: East Asian, 0.0067%; no homozygotes.

Submissions (2):

Juno Genomics, Hangzhou Juno Genomics, Inc
Classification: Pathogenic for Cranioectodermal dysplasia 2; Short-rib thoracic dysplasia 7 with or without polydactyly. Review status: criteria provided, single submitter. Criteria: ACMG Guidelines, 2015. Collection method: clinical testing. Allele origin: germline.
Comment: Absent from controls (or at extremely low frequency if recessive) in Genome Aggregation Database.;Null variant in a gene where loss of function (LOF) is a known mechanism of disease.;For recessive disorders, detected in trans with a pathogenic variant.;Patient's phenotype or family history is highly specific for a disease with a single genetic etiology.

OMIM
Classification: Pathogenic for SHORT-RIB THORACIC DYSPLASIA 7 WITH POLYDACTYLY. Last evaluated: 2011-04-08. Review status: no assertion criteria provided. Collection method: literature only. Allele origin: germline. Not counted in ClinVar's aggregate classification.

Literature cited by the submitters: PubMed 21473986 (cited by OMIM).

NM_020779.4(WDR35):c.1600C>T (p.Arg534Ter)

Gene: WDR35 (WD repeat domain 35; minus strand). Cytogenetic location: 2p24.1.
Variant type: single nucleotide variant.
Coding change: c.1600C>T on transcript NM_020779.4 (MANE Select); coding-DNA position 1600, C replaced by T.
Protein change: p.Arg534Ter; replaces arginine 534 with a stop codon.
Molecular consequence: nonsense.
Genome position (GRCh38, 1-based): chr2:19,946,495, G>A on the plus strand (C>T on the coding strand, the complement: WDR35 is on the minus strand). VCF-style: chr2-19946495-G-A. GRCh37 (hg19) VCF-style: chr2-20146256-G-A.
Other names: c.1633C>T, p.Arg545Ter (NM_001006657.2); short protein forms R545*, R534*.
Identifiers: ClinVar variation 31044 (VCV000031044.3), dbSNP rs387907085, ClinGen allele CA210572.